The following is an entry in ClinVar:

NM_001165963.4(SCN1A):c.3392A>G (p.Asp1131Gly)

Genes: SCN1A (sodium voltage-gated channel alpha subunit 1; minus strand), LOC102724058 (uncharacterized LOC102724058; plus strand). Cytogenetic location: 2q24.3.
Variant type: single nucleotide variant.
Coding change: c.3392A>G on transcript NM_001165963.4 (MANE Select); coding-DNA position 3392, A replaced by G.
Protein change: p.Asp1131Gly; replaces aspartic acid 1131 with glycine.
Molecular consequence: missense variant. On other transcripts: non-coding transcript variant (2).
Genome position (GRCh38, 1-based): chr2:166,036,085, T>C on the plus strand (A>G on the coding strand, the complement: SCN1A is on the minus strand). VCF-style: chr2-166036085-T-C. GRCh37 (hg19) VCF-style: chr2-166892595-T-C.
Other names: c.3308A>G, p.Asp1103Gly (NM_001165964.3, NM_001353957.2, NM_001353958.2); c.3392A>G, p.Asp1131Gly (NM_001202435.3, NM_001353948.2); c.3359A>G, p.Asp1120Gly (NM_001353949.2, NM_001353950.2, NM_001353951.2 and 2 more transcripts); c.3356A>G, p.Asp1119Gly (NM_001353954.2, NM_001353955.2); c.3305A>G, p.Asp1102Gly (NM_001353960.2); c.950A>G, p.Asp317Gly (NM_001353961.2); c.3392A>G (NM_001165963.1); short protein forms D1102G, D1103G, D1119G, D1120G, D1131G, D317G.
Identifiers: ClinVar variation 1010985 (VCV001010985.8), dbSNP rs1252603738, ClinGen allele CA349059138.

ClinVar aggregate classification (germline): Uncertain significance. Review status: criteria provided, multiple submitters, no conflicts (2 of 4 stars). 2 submissions from 2 submitters: Uncertain significance (2). Last evaluated 2024-07-19.

Conditions:
Developmental and epileptic encephalopathy. Identifiers: MedGen C5779964, MONDO:0100620.

Allele frequency attached by ClinVar (database versions not stated): gnomAD exomes below 0.00001 and 0.00001; gnomAD 0.00001; TOPMed 0.00001.
gnomAD v4.1: 18 of 1,613,788 alleles (0.0011%); highest among the groups gnomAD compares: East Asian, 0.0022%; no homozygotes.

Submissions (2):

GeneDx
Classification: Uncertain significance. Last evaluated: 2024-07-19. Review status: criteria provided, single submitter. Criteria: GeneDx Variant Classification Process June 2021. Collection method: clinical testing. Allele origin: germline. Affected: yes.
Comment: Not observed at significant frequency in large population cohorts (gnomAD); In silico analysis supports that this missense variant has a deleterious effect on protein structure/function; Has not been previously published as pathogenic or benign to our knowledge; This substitution is predicted to be within the cytoplasmic loop between the second and third homologous domains

Labcorp Genetics (formerly Invitae), Labcorp
Classification: Uncertain significance for Early-infantile DEE. Last evaluated: 2022-02-10. Review status: criteria provided, single submitter. Criteria: Invitae Variant Classification Sherloc (09022015). Collection method: clinical testing. Allele origin: germline.
Comment: This sequence change replaces aspartic acid, which is acidic and polar, with glycine, which is neutral and non-polar, at codon 1131 of the SCN1A protein (p.Asp1131Gly). In summary, the available evidence is currently insufficient to determine the role of this variant in disease. Therefore, it has been classified as a Variant of Uncertain Significance. Algorithms developed to predict the effect of missense changes on protein structure and function (SIFT, PolyPhen-2, Align-GVGD) all suggest that this variant is likely to be disruptive. ClinVar contains an entry for this variant (Variation ID: 1010985). This variant has not been reported in the literature in individuals affected with SCN1A-related conditions. This variant is present in population databases (no rsID available, gnomAD 0.002%).